The following is an entry in ClinVar:

NM_031935.3(HMCN1):c.2828G>C (p.Gly943Ala)

Gene: HMCN1 (hemicentin 1; plus strand). Cytogenetic location: 1q31.1.
Variant type: single nucleotide variant.
Coding change: c.2828G>C on transcript NM_031935.3 (MANE Select); coding-DNA position 2828, G replaced by C.
Protein change: p.Gly943Ala; replaces glycine 943 with alanine.
Molecular consequence: missense variant.
Genome position (GRCh38, 1-based): chr1:185,984,206, G>C. VCF-style: chr1-185984206-G-C. GRCh37 (hg19) VCF-style: chr1-185953338-G-C.
Other names: short protein forms G943A.
Identifiers: ClinVar variation 4774128 (VCV004774128.1).
Genomic context (GRCh38, chr1:185,984,206, plus strand): 5'-ATTACCTTTTTTTTTCCTTTAAGTTGCTCCAAAATCCTTACATCACTGTGCGCAGTGATG[G>C]GAGCCTCCATATTGAAAGAGTTCAGCTTCAGGATGGTGGTGAATATACTTGTGTGGCCAG-3'
Protein context (NP_114141.2, residues 933-953): QNPYITVRSD[Gly943Ala]SLHIERVQLQ

ClinVar aggregate classification (germline): Uncertain significance (1 of 4 stars; one submission).

Submission:

Labcorp Genetics (formerly Invitae), Labcorp
Classification: Uncertain significance. Last evaluated: 2025-12-25. Review status: criteria provided, single submitter. Criteria: Invitae Variant Classification Sherloc (09022015). Collection method: clinical testing. Allele origin: germline.
Comment: This sequence change replaces glycine, which is neutral and non-polar, with alanine, which is neutral and non-polar, at codon 943 of the HMCN1 protein (p.Gly943Ala). This variant is not present in population databases (gnomAD no frequency). This variant has not been reported in the literature in individuals affected with HMCN1-related conditions. An algorithm developed to predict the effect of missense changes on protein structure and function (PolyPhen-2) suggests that this variant is likely to be disruptive. In summary, the available evidence is currently insufficient to determine the role of this variant in disease. Therefore, it has been classified as a Variant of Uncertain Significance.